The following is an entry in ClinVar:

NM_001111067.4(ACVR1):c.1396-2dup

Gene: ACVR1 (activin A receptor type 1; minus strand). Cytogenetic location: 2q24.1.
Variant type: Duplication.
Coding change: c.1396-2dup on transcript NM_001111067.4 (MANE Select); the canonical splice acceptor site of the intron before coding-DNA position 1396, one base duplicated (A; older notation c.1396-2dupA).
Molecular consequence: splice acceptor variant.
Genome position (GRCh38, 1-based): chr2:157,737,667, T duplicated on the plus strand (A on the coding strand, the reverse complement: ACVR1 is on the minus strand). VCF-style (leftmost placement, unchanged base first): chr2-157737666-C-CT. GRCh37 (hg19) VCF-style: chr2-158594178-C-CT.
Other names: c.1396-2dup (NM_001347665.1, NM_001347664.1, NM_001347666.1 and 3 more transcripts).
Identifiers: ClinVar variation 2438854 (VCV002438854.6), dbSNP rs770235094, ClinGen allele CA1918946.

ClinVar aggregate classification (germline): Uncertain significance. Review status: criteria provided, multiple submitters, no conflicts (2 of 4 stars). 2 submissions from 2 submitters: Uncertain significance (2). Last evaluated 2024-08-14.

Conditions:
Progressive myositis ossificans (FOP). Also called: Progressive ossifying myositis; Fibrodysplasia Ossificans Progressiva; Myositis ossificans progressiva. Identifiers: Orphanet 337, MedGen C0016037, MONDO:0007606, OMIM 135100.

Allele frequency attached by ClinVar (database versions not stated): TOPMed below 0.00001; ExAC 0.00001; gnomAD 0.00001; gnomAD exomes 0.00001; ESP Exome Variant Server 0.00008.

Submissions (2):

Labcorp Genetics (formerly Invitae), Labcorp
Classification: Uncertain significance. Last evaluated: 2024-08-14. Review status: criteria provided, single submitter. Criteria: Invitae Variant Classification Sherloc (09022015). Collection method: clinical testing. Allele origin: germline.
Comment: This sequence change falls in intron 10 of the ACVR1 gene. It does not directly change the encoded amino acid sequence of the ACVR1 protein. It affects a nucleotide within the consensus splice site. This variant is present in population databases (rs770235094, gnomAD 0.003%). This variant has not been reported in the literature in individuals affected with ACVR1-related conditions. ClinVar contains an entry for this variant (Variation ID: 2438854). Variants that disrupt the consensus splice site are a relatively common cause of aberrant splicing (PMID: 17576681, 9536098). Algorithms developed to predict the effect of sequence changes on RNA splicing suggest that this variant may disrupt the consensus splice site. In summary, the available evidence is currently insufficient to determine the role of this variant in disease. Therefore, it has been classified as a Variant of Uncertain Significance.

Revvity Omics, Revvity
Classification: Uncertain significance for Progressive myositis ossificans. Last evaluated: 2023-01-26. Review status: criteria provided, single submitter. Criteria: ACMG Guidelines, 2015. Collection method: clinical testing. Allele origin: germline.

Literature cited by the submitters: PubMed 17576681 (cited by Labcorp Genetics (formerly Invitae), Labcorp); PubMed 9536098 (cited by Labcorp Genetics (formerly Invitae), Labcorp).